The following is an entry in ClinVar:

ClinVar aggregate classification (germline): Conflicting classifications of pathogenicity. Review status: criteria provided, conflicting classifications (1 of 4 stars). 5 submissions from 5 submitters: Uncertain significance (4); Likely benign (1). Last evaluated 2025-12-19.

Conditions:
Cardiovascular phenotype. Identifiers: MedGen CN230736.
Brugada syndrome. Also called: Sudden unexpected nocturnal death syndrome; Sudden unexplained nocturnal death syndrome; Sudden Unexplained Death Syndrome; Sudden Unexplained Nocturnal Death Syndrome (SUNDS). Identifiers: Orphanet 130, MedGen C1142166, MONDO:0015263.
Episodic pain syndrome, familial, 2 (FEPS2). Identifiers: Orphanet 306577, MedGen C3809893, MONDO:0014246, OMIM 615551.

Allele frequency attached by ClinVar (database versions not stated): gnomAD exomes 0.00001 and 0.00002; TOPMed 0.00020; gnomAD 0.00016 and 0.00013; ExAC 0.00002.

Submissions (5):

Labcorp Genetics (formerly Invitae), Labcorp
Classification: Uncertain significance for Brugada syndrome. Last evaluated: 2025-12-19. Review status: criteria provided, single submitter. Criteria: Invitae Variant Classification Sherloc (09022015). Collection method: clinical testing. Allele origin: germline.
Comment: This sequence change replaces threonine, which is neutral and polar, with arginine, which is basic and polar, at codon 1536 of the SCN10A protein (p.Thr1536Arg). This variant is present in population databases (rs778754301, gnomAD 0.02%). This variant has not been reported in the literature in individuals affected with SCN10A-related conditions. ClinVar contains an entry for this variant (Variation ID: 1429429). Invitae Evidence Modeling of protein sequence and biophysical properties (such as structural, functional, and spatial information, amino acid conservation, physicochemical variation, residue mobility, and thermodynamic stability) indicates that this missense variant is not expected to disrupt SCN10A protein function with a negative predictive value of 80%. In summary, the available evidence is currently insufficient to determine the role of this variant in disease. Therefore, it has been classified as a Variant of Uncertain Significance.

GeneDx
Classification: Uncertain significance. Last evaluated: 2025-04-29. Review status: criteria provided, single submitter. Criteria: GeneDx Variant Classification Process June 2021. Collection method: clinical testing. Allele origin: germline.
Comment: Has not been previously published as pathogenic or benign to our knowledge; In silico analysis supports that this missense variant has a deleterious effect on protein structure/function

Women's Health and Genetics/Laboratory Corporation of America, LabCorp
Classification: Uncertain significance. Last evaluated: 2024-05-20. Review status: criteria provided, single submitter. Criteria: LabCorp Variant Classification Summary - May 2015. Collection method: clinical testing. Allele origin: germline.

Ambry Genetics
Classification: Likely benign for Cardiovascular phenotype. Last evaluated: 2021-09-09. Review status: criteria provided, single submitter. Criteria: Ambry Variant Classification Scheme 2023. Collection method: clinical testing. Allele origin: germline.

Fulgent Genetics
Classification: Uncertain significance for Episodic pain syndrome, familial, 2. Last evaluated: 2021-08-04. Review status: criteria provided, single submitter. Criteria: ACMG Guidelines, 2015. Collection method: clinical testing. Allele origin: unknown.

NM_006514.4(SCN10A):c.4607C>G (p.Thr1536Arg)

Gene: SCN10A (sodium voltage-gated channel alpha subunit 10; minus strand). Cytogenetic location: 3p22.2.
Variant type: single nucleotide variant.
Coding change: c.4607C>G on transcript NM_006514.4 (MANE Select); coding-DNA position 4607, C replaced by G.
Protein change: p.Thr1536Arg; replaces threonine 1536 with arginine.
Molecular consequence: missense variant.
Genome position (GRCh38, 1-based): chr3:38,701,889, G>C on the plus strand (C>G on the coding strand, the complement: SCN10A is on the minus strand). VCF-style: chr3-38701889-G-C. GRCh37 (hg19) VCF-style: chr3-38743380-G-C.
Other names: c.4604C>G, p.Thr1535Arg (NM_001293306.2); c.4313C>G, p.Thr1438Arg (NM_001293307.2); short protein forms T1535R, T1536R, T1438R.
Identifiers: ClinVar variation 1429429 (VCV001429429.10), dbSNP rs778754301, ClinGen allele CA2319863.